The following is an entry in ClinVar:

NM_020832.3(ZNF687):c.1699G>A (p.Ala567Thr)

Gene: ZNF687 (zinc finger protein 687; plus strand). Cytogenetic location: 1q21.3.
Variant type: single nucleotide variant.
Coding change: c.1699G>A on transcript NM_020832.3 (MANE Select); coding-DNA position 1699, G replaced by A.
Protein change: p.Ala567Thr; replaces alanine 567 with threonine.
Molecular consequence: missense variant.
Genome position (GRCh38, 1-based): chr1:151,287,990, G>A. VCF-style: chr1-151287990-G-A. GRCh37 (hg19) VCF-style: chr1-151260466-G-A.
Other names: c.1699G>A (NM_020832.1); c.1699G>A, p.Ala567Thr (NM_001304763.2, NM_001304764.2); short protein forms A567T.
Identifiers: ClinVar variation 2775926 (VCV002775926.4), dbSNP rs775148649, ClinGen allele CA1088375.

ClinVar aggregate classification (germline): Uncertain significance. Review status: criteria provided, multiple submitters, no conflicts (2 of 4 stars). 2 submissions from 2 submitters: Uncertain significance (2). Last evaluated 2024-12-16.

Allele frequency attached by ClinVar (database versions not stated): gnomAD exomes 0.00001; ExAC 0.00002; TOPMed 0.00003.

Submissions (2):

Ambry Genetics
Classification: Uncertain significance. Last evaluated: 2024-12-16. Review status: criteria provided, single submitter. Criteria: Ambry Variant Classification Scheme 2023. Collection method: clinical testing. Allele origin: germline.

Labcorp Genetics (formerly Invitae), Labcorp
Classification: Uncertain significance. Last evaluated: 2022-11-08. Review status: criteria provided, single submitter. Criteria: Invitae Variant Classification Sherloc (09022015). Collection method: clinical testing. Allele origin: germline.
Comment: In summary, the available evidence is currently insufficient to determine the role of this variant in disease. Therefore, it has been classified as a Variant of Uncertain Significance. Algorithms developed to predict the effect of missense changes on protein structure and function (SIFT, PolyPhen-2, Align-GVGD) all suggest that this variant is likely to be tolerated. This variant has not been reported in the literature in individuals affected with ZNF687-related conditions. This variant is present in population databases (rs775148649, gnomAD 0.03%). This sequence change replaces alanine, which is neutral and non-polar, with threonine, which is neutral and polar, at codon 567 of the ZNF687 protein (p.Ala567Thr).